The following is an entry in ClinVar:

ClinVar aggregate classification (germline): Uncertain significance (1 of 4 stars; one submission).

Conditions:
Bloom syndrome (BLM). Also called: Bloom-Torre-Machacek syndrome. Identifiers: Orphanet 125, MedGen C0005859, MONDO:0008876, OMIM 210900.

gnomAD v4.1: 1 of 1,614,082 alleles (0.000062%); highest among the groups gnomAD compares: Non-Finnish European, 0.000085%; no homozygotes.

Submission:

Labcorp Genetics (formerly Invitae), Labcorp
Classification: Uncertain significance for Bloom syndrome. Last evaluated: 2022-03-04. Review status: criteria provided, single submitter. Criteria: Invitae Variant Classification Sherloc (09022015). Collection method: clinical testing. Allele origin: germline.
Comment: In summary, the available evidence is currently insufficient to determine the role of this variant in disease. Therefore, it has been classified as a Variant of Uncertain Significance. Algorithms developed to predict the effect of sequence changes on RNA splicing suggest that this variant may create or strengthen a splice site. This sequence change replaces glycine, which is neutral and non-polar, with valine, which is neutral and non-polar, at codon 441 of the BLM protein (p.Gly441Val). This variant is not present in population databases (gnomAD no frequency). This variant has not been reported in the literature in individuals affected with BLM-related conditions. Algorithms developed to predict the effect of missense changes on protein structure and function (SIFT, PolyPhen-2, Align-GVGD) all suggest that this variant is likely to be tolerated.

NM_000057.4(BLM):c.1322G>T (p.Gly441Val)

Gene: BLM (BLM RecQ like helicase; plus strand). Cytogenetic location: 15q26.1.
Variant type: single nucleotide variant.
Coding change: c.1322G>T on transcript NM_000057.4 (MANE Select); coding-DNA position 1322, G replaced by T.
Protein change: p.Gly441Val; replaces glycine 441 with valine.
Molecular consequence: missense variant.
Genome position (GRCh38, 1-based): chr15:90,760,695, G>T. VCF-style: chr15-90760695-G-T. GRCh37 (hg19) VCF-style: chr15-91303925-G-T.
Other names: c.1322G>T, p.Gly441Val (NM_001287246.2, NM_001287247.2); c.197G>T, p.Gly66Val (NM_001287248.2); short protein forms G441V, G66V.
Identifiers: ClinVar variation 1372525 (VCV001372525.6), dbSNP rs2151157998, ClinGen allele CA393842812.
Genomic context (GRCh38, chr15:90,760,695, plus strand): 5'-CCAGTCTTCTTGGCTCATTGTGGAGATACAGGCCTGATTCACTTGATGGCCCTATGGAGG[G>T]TGATTCCTGCCCTACAGGGAATTCTATGAAGGAGTTAAATTTTTCACACCTTCCCTCAAA-3'
Protein context (NP_000048.1, residues 431-451): RPDSLDGPME[Gly441Val]DSCPTGNSMK